The following is an entry in ClinVar:

NM_016580.4(PCDH12):c.964G>A (p.Val322Ile)

Genes: PCDH12 (protocadherin 12; minus strand), RNF14 (ring finger protein 14; plus strand). Cytogenetic location: 5q31.3.
Variant type: single nucleotide variant.
Coding change: c.964G>A on transcript NM_016580.4 (MANE Select); coding-DNA position 964, G replaced by A.
Protein change: p.Val322Ile; replaces valine 322 with isoleucine.
Molecular consequence: missense variant.
Genome position (GRCh38, 1-based): chr5:141,956,888, C>T on the plus strand (G>A on the coding strand, the complement: PCDH12 is on the minus strand). VCF-style: chr5-141956888-C-T. GRCh37 (hg19) VCF-style: chr5-141336453-C-T.
Other names: short protein forms V322I.
Identifiers: ClinVar variation 1403686 (VCV001403686.8), dbSNP rs1260044725, ClinGen allele CA361589508.

ClinVar aggregate classification (germline): Uncertain significance (1 of 4 stars; one submission).

Allele frequency attached by ClinVar (database versions not stated): gnomAD exomes below 0.00001; gnomAD 0.00001; TOPMed 0.00001.
gnomAD v4.1: 2 of 1,614,108 alleles (0.00012%); highest among the groups gnomAD compares: African/African-American, 0.0027%; no homozygotes.

Submission:

Labcorp Genetics (formerly Invitae), Labcorp
Classification: Uncertain significance. Last evaluated: 2021-01-15. Review status: criteria provided, single submitter. Criteria: Invitae Variant Classification Sherloc (09022015). Collection method: clinical testing. Allele origin: germline.
Comment: In summary, the available evidence is currently insufficient to determine the role of this variant in disease. Therefore, it has been classified as a Variant of Uncertain Significance. Advanced modeling of protein sequence and biophysical properties (such as structural, functional, and spatial information, amino acid conservation, physicochemical variation, residue mobility, and thermodynamic stability) performed at Invitae indicates that this missense variant is not expected to disrupt PCDH12 protein function. This variant has not been reported in the literature in individuals with PCDH12-related conditions. This variant is not present in population databases (ExAC no frequency). This sequence change replaces valine with isoleucine at codon 322 of the PCDH12 protein (p.Val322Ile). The valine residue is highly conserved and there is a small physicochemical difference between valine and isoleucine.